The following is an entry in ClinVar:

NM_001375834.1(WIPF1):c.409T>C (p.Ser137Pro)

Gene: WIPF1 (WAS/WASL interacting protein family member 1; minus strand). Cytogenetic location: 2q31.1.
Variant type: single nucleotide variant.
Coding change: c.409T>C on transcript NM_001375834.1 (MANE Select); coding-DNA position 409, T replaced by C.
Protein change: p.Ser137Pro; replaces serine 137 with proline.
Molecular consequence: missense variant. On other transcripts: intron variant (1).
Genome position (GRCh38, 1-based): chr2:174,572,396, A>G on the plus strand (T>C on the coding strand, the complement: WIPF1 is on the minus strand). VCF-style: chr2-174572396-A-G. GRCh37 (hg19) VCF-style: chr2-175437124-A-G.
Other names: c.409T>C, p.Ser137Pro (NM_001077269.1, NM_001375832.1, NM_001375833.1 and 5 more transcripts); c.182-151T>C (NM_001375839.1); short protein forms S137P.
Identifiers: ClinVar variation 1400666 (VCV001400666.6), dbSNP rs779896543, ClinGen allele CA1974133.
Genomic context (GRCh38, chr2:174,572,396, plus strand): 5'-GGCCTGGAGAAGGCACAGGAAACCTCCCTGGGCCACTTGGGGGTGAAAAGGGTTTCGCAG[A>G]TGTGGATCTTCCTCCCGGTGGCAACAATGGTGGTCGGCTTCCTCCAGAATCTGAAGAACA-3'
Protein context (NP_001362763.1, residues 127-147): PLLPPGGRST[Ser137Pro]AKPFSPPSGP

ClinVar aggregate classification (germline): Uncertain significance. Review status: criteria provided, multiple submitters, no conflicts (2 of 4 stars). 2 submissions from 2 submitters: Uncertain significance (2). Last evaluated 2025-09-26.

Conditions:
Wiskott-Aldrich syndrome 2 (WAS2). Also called: WIPF1 DEFICIENCY. Identifiers: Orphanet 906, MedGen C3281001, MONDO:0013779, OMIM 614493.
Inborn genetic diseases. Identifiers: MedGen C0950123, MeSH D030342.

Allele frequency attached by ClinVar (database versions not stated): gnomAD exomes 0.00001 and 0.00002; TOPMed 0.00001; gnomAD 0.00001; ExAC 0.00002.
gnomAD v4.1: 14 of 1,614,028 alleles (0.00087%); highest among the groups gnomAD compares: Non-Finnish European, 0.001%; no homozygotes.

Submissions (2):

Ambry Genetics
Classification: Uncertain significance for Inborn genetic diseases. Last evaluated: 2025-09-26. Review status: criteria provided, single submitter. Criteria: Ambry Variant Classification Scheme 2023. Collection method: clinical testing. Allele origin: germline.

Labcorp Genetics (formerly Invitae), Labcorp
Classification: Uncertain significance for Wiskott-Aldrich syndrome 2. Last evaluated: 2021-04-12. Review status: criteria provided, single submitter. Criteria: Invitae Variant Classification Sherloc (09022015). Collection method: clinical testing. Allele origin: germline.
Comment: This variant is present in population databases (rs779896543, ExAC 0.003%). In summary, the available evidence is currently insufficient to determine the role of this variant in disease. Therefore, it has been classified as a Variant of Uncertain Significance. Algorithms developed to predict the effect of missense changes on protein structure and function are either unavailable or do not agree on the potential impact of this missense change (SIFT: "Not Available"; PolyPhen-2: "Probably Damaging"; Align-GVGD: "Not Available"). This variant has not been reported in the literature in individuals with WIPF1-related conditions. This sequence change replaces serine with proline at codon 137 of the WIPF1 protein (p.Ser137Pro). The serine residue is moderately conserved and there is a moderate physicochemical difference between serine and proline.